The following is an entry in ClinVar:

NM_013275.6(ANKRD11):c.5069C>T (p.Pro1690Leu)

Gene: ANKRD11 (ankyrin repeat domain 11; minus strand). Cytogenetic location: 16q24.3.
Variant type: single nucleotide variant.
Coding change: c.5069C>T on transcript NM_013275.6 (MANE Select); coding-DNA position 5069, C replaced by T.
Protein change: p.Pro1690Leu; replaces proline 1690 with leucine.
Molecular consequence: missense variant.
Genome position (GRCh38, 1-based): chr16:89,281,473, G>A on the plus strand (C>T on the coding strand, the complement: ANKRD11 is on the minus strand). VCF-style: chr16-89281473-G-A. GRCh37 (hg19) VCF-style: chr16-89347881-G-A.
Other names: c.5069C>T, p.Pro1690Leu (NM_001256182.2, NM_001256183.2); c.5069C>T (NM_013275.4); short protein forms P1690L.
Identifiers: ClinVar variation 1310642 (VCV001310642.7), dbSNP rs376034086, ClinGen allele CA8241964.
Genomic context (GRCh38, chr16:89,281,473, plus strand): 5'-AGCACCGACGTAGGGGTGGGCACGCCAGTGGGCCGGCTCTGGTCAGGCCTGGGGGACGCA[G>A]GCAGGACCTCTTTCATGTGAGGGCCTGCCAGCCAGTCTTTGGAGTCTGCACCTGATGCTG-3'
Protein context (NP_037407.4, residues 1680-1700): LAGPHMKEVL[Pro1690Leu]ASPRPDQSRP

ClinVar aggregate classification (germline): Uncertain significance. Review status: criteria provided, multiple submitters, no conflicts (2 of 4 stars). 3 submissions from 3 submitters: Uncertain significance (3). Last evaluated 2025-04-07.

Conditions:
Inborn genetic diseases. Identifiers: MedGen C0950123, MeSH D030342.
KBG syndrome (KBGS). Also called: ANKRD11-Related KBG Syndrome. Identifiers: Orphanet 2332, MedGen C0220687, MONDO:0007846, OMIM 148050.

Allele frequency attached by ClinVar (database versions not stated): gnomAD exomes below 0.00001; ExAC 0.00001; TOPMed 0.00001; ESP Exome Variant Server 0.00008.
gnomAD v4.1: 5 of 1,614,198 alleles (0.00031%); highest among the groups gnomAD compares: Admixed American, 0.0033%; no homozygotes.

Submissions (3):

Labcorp Genetics (formerly Invitae), Labcorp
Classification: Uncertain significance for KBG syndrome. Last evaluated: 2025-04-07. Review status: criteria provided, single submitter. Criteria: Invitae Variant Classification Sherloc (09022015). Collection method: clinical testing. Allele origin: germline.
Comment: This sequence change replaces proline, which is neutral and non-polar, with leucine, which is neutral and non-polar, at codon 1690 of the ANKRD11 protein (p.Pro1690Leu). This variant is present in population databases (rs376034086, gnomAD 0.003%). This variant has not been reported in the literature in individuals affected with ANKRD11-related conditions. ClinVar contains an entry for this variant (Variation ID: 1310642). Invitae Evidence Modeling of protein sequence and biophysical properties (such as structural, functional, and spatial information, amino acid conservation, physicochemical variation, residue mobility, and thermodynamic stability) indicates that this missense variant is not expected to disrupt ANKRD11 protein function with a negative predictive value of 95%. In summary, the available evidence is currently insufficient to determine the role of this variant in disease. Therefore, it has been classified as a Variant of Uncertain Significance.

Ambry Genetics
Classification: Uncertain significance for Inborn genetic diseases. Last evaluated: 2021-07-29. Review status: criteria provided, single submitter. Criteria: Ambry Variant Classification Scheme 2023. Collection method: clinical testing. Allele origin: germline.

GeneDx
Classification: Uncertain significance. Last evaluated: 2019-12-02. Review status: criteria provided, single submitter. Criteria: GeneDx Variant Classification Process June 2021. Collection method: clinical testing. Allele origin: germline. Affected: yes.
Comment: Not observed at a significant frequency in large population cohorts (Lek et al., 2016); In silico analysis, which includes protein predictors and evolutionary conservation, supports a deleterious effect; Missense variant in a gene in which most reported pathogenic variants are truncating/loss-of-function; Has not been previously published as pathogenic or benign to our knowledge